The following is an entry in ClinVar:

ClinVar aggregate classification (germline): Likely benign. Review status: criteria provided, single submitter (1 of 4 stars). 2 submissions from 2 submitters: Likely benign (1). 1 of the submissions does not count toward it. Last evaluated 2021-10-10.

Conditions:
X-linked intellectual disability Cabezas type (MRXSC). Also called: CABEZAS SYNDROME; MENTAL RETARDATION, X-LINKED, SYNDROMIC 15; Intellectual developmental disorder, X-linked syndromic, Cabezas type. Identifiers: Orphanet 85289, Orphanet 85293, MedGen C1845861, MONDO:0010306, OMIM 300354.
CUL4B-related disorder. Also called: CUL4B-related condition.

Allele frequency attached by ClinVar (database versions not stated): TOPMed 0.00005; ESP Exome Variant Server 0.00009; gnomAD 0.00001.

Submissions (2):

Labcorp Genetics (formerly Invitae), Labcorp
Classification: Likely benign for X-linked intellectual disability Cabezas type. Last evaluated: 2021-10-10. Review status: criteria provided, single submitter. Criteria: Invitae Variant Classification Sherloc (09022015). Collection method: clinical testing. Allele origin: germline.

PreventionGenetics, part of Exact Sciences
Classification: Likely benign for CUL4B-related condition. Last evaluated: 2023-04-19. Review status: no assertion criteria provided. Collection method: clinical testing. Allele origin: germline. Not counted in ClinVar's aggregate classification.
Comment: This variant is classified as likely benign based on ACMG/AMP sequence variant interpretation guidelines (Richards et al. 2015 PMID: 25741868, with internal and published modifications).

NM_001079872.2(CUL4B):c.270T>C (p.Ala90=)

Genes: CUL4B (cullin 4B; minus strand), LOC113845788 (Sharpr-MPRA regulatory region 11856; plus strand). Cytogenetic location: Xq24.
Variant type: single nucleotide variant.
Coding change: c.270T>C on transcript NM_001079872.2 (MANE Select); coding-DNA position 270, T replaced by C.
Protein change: p.Ala90=; no amino-acid change (alanine 90 retained).
Molecular consequence: synonymous variant.
Genome position (GRCh38, 1-based): chrX:120,560,369, A>G on the plus strand (T>C on the coding strand, the complement: CUL4B is on the minus strand). VCF-style: chrX-120560369-A-G. GRCh37 (hg19) VCF-style: chrX-119694224-A-G.
Other names: c.285T>C, p.Ala95= (NM_001330624.2); c.324T>C, p.Ala108= (NM_003588.4); c.324T>C (NM_003588.3).
Identifiers: ClinVar variation 1609573 (VCV001609573.10), dbSNP rs371312556, ClinGen allele CA334131624.